The following is an entry in ClinVar:

NM_015072.5(TTLL5):c.1519T>G (p.Tyr507Asp)

Gene: TTLL5 (tubulin tyrosine ligase like 5; plus strand). Cytogenetic location: 14q24.3.
Variant type: single nucleotide variant.
Coding change: c.1519T>G on transcript NM_015072.5 (MANE Select); coding-DNA position 1519, T replaced by G.
Protein change: p.Tyr507Asp; replaces tyrosine 507 with aspartic acid.
Molecular consequence: missense variant.
Genome position (GRCh38, 1-based): chr14:75,752,924, T>G. VCF-style: chr14-75752924-T-G. GRCh37 (hg19) VCF-style: chr14-76219267-T-G.
Other names: short protein forms Y507D.
Identifiers: ClinVar variation 3184623 (VCV003184623.3), dbSNP rs2503193029, ClinGen allele CA390465990.

ClinVar aggregate classification (germline): Uncertain significance. Review status: criteria provided, multiple submitters, no conflicts (2 of 4 stars). 2 submissions from 2 submitters: Uncertain significance (2). Last evaluated 2025-01-21.

Conditions:
Inborn genetic diseases. Identifiers: MedGen C0950123, MeSH D030342.

Submissions (2):

Labcorp Genetics (formerly Invitae), Labcorp
Classification: Uncertain significance. Last evaluated: 2025-01-21. Review status: criteria provided, single submitter. Criteria: Invitae Variant Classification Sherloc (09022015). Collection method: clinical testing. Allele origin: germline.
Comment: This sequence change replaces tyrosine, which is neutral and polar, with aspartic acid, which is acidic and polar, at codon 507 of the TTLL5 protein (p.Tyr507Asp). This variant is not present in population databases (gnomAD no frequency). This variant has not been reported in the literature in individuals affected with TTLL5-related conditions. ClinVar contains an entry for this variant (Variation ID: 3184623). Invitae Evidence Modeling of protein sequence and biophysical properties (such as structural, functional, and spatial information, amino acid conservation, physicochemical variation, residue mobility, and thermodynamic stability) indicates that this missense variant is not expected to disrupt TTLL5 protein function with a negative predictive value of 80%. In summary, the available evidence is currently insufficient to determine the role of this variant in disease. Therefore, it has been classified as a Variant of Uncertain Significance.

Ambry Genetics
Classification: Uncertain significance for Inborn genetic diseases. Last evaluated: 2023-10-17. Review status: criteria provided, single submitter. Criteria: Ambry Variant Classification Scheme 2023. Collection method: clinical testing. Allele origin: germline.